The following is an entry in ClinVar:

NM_001267550.2(TTN):c.101747T>G (p.Ile33916Ser)

Genes: TTN (titin; minus strand), TTN-AS1 (TTN antisense RNA 1; plus strand). Cytogenetic location: 2q31.2.
Variant type: single nucleotide variant.
Coding change: c.101747T>G on transcript NM_001267550.2 (MANE Select); coding-DNA position 101747, T replaced by G.
Protein change: p.Ile33916Ser; replaces isoleucine 33916 with serine.
Molecular consequence: missense variant.
Genome position (GRCh38, 1-based): chr2:178,534,868, A>C on the plus strand (T>G on the coding strand, the complement: TTN is on the minus strand). VCF-style: chr2-178534868-A-C. GRCh37 (hg19) VCF-style: chr2-179399595-A-C.
Other names: c.96824T>G, p.Ile32275Ser (NM_001256850.1); c.74552T>G, p.Ile24851Ser (NM_003319.4); c.94043T>G, p.Ile31348Ser (NM_133378.4); c.74927T>G, p.Ile24976Ser (NM_133432.3); c.75128T>G, p.Ile25043Ser (NM_133437.4); short protein forms I33916S, I24976S, I24851S, I25043S, I31348S, I32275S.
Identifiers: ClinVar variation 2020831 (VCV002020831.4), dbSNP rs2154136265, ClinGen allele CA349419686.

ClinVar aggregate classification (germline): Uncertain significance (1 of 4 stars; one submission).

Conditions:
Autosomal recessive limb-girdle muscular dystrophy type 2J (LGMDR10). Also called: Limb-girdle muscular dystrophy, type 2J; MUSCULAR DYSTROPHY, LIMB-GIRDLE, AUTOSOMAL RECESSIVE 10. Identifiers: Orphanet 140922, MedGen C1837342, MONDO:0012127, OMIM 608807.
Dilated cardiomyopathy 1G (CMD1G). Identifiers: Orphanet 154, MedGen C1858763, MONDO:0011400, OMIM 604145.

Submission:

Labcorp Genetics (formerly Invitae), Labcorp
Classification: Uncertain significance for Dilated cardiomyopathy 1G; Autosomal recessive limb-girdle muscular dystrophy type 2J. Last evaluated: 2023-11-27. Review status: criteria provided, single submitter. Criteria: Invitae Variant Classification Sherloc (09022015). Collection method: clinical testing. Allele origin: germline.
Comment: This sequence change replaces isoleucine, which is neutral and non-polar, with serine, which is neutral and polar, at codon 33916 of the TTN protein (p.Ile33916Ser). This variant is not present in population databases (gnomAD no frequency). This variant has not been reported in the literature in individuals affected with TTN-related conditions. ClinVar contains an entry for this variant (Variation ID: 2020831). Experimental studies and prediction algorithms are not available or were not evaluated, and the functional significance of this variant is currently unknown. This variant is located in the M band of TTN (PMID: 25589632). Variants in this region may be relevant for neuromuscular disorders, but have not been definitively shown to cause cardiomyopathy (PMID: 23975875). In summary, the available evidence is currently insufficient to determine the role of this variant in disease. Therefore, it has been classified as a Variant of Uncertain Significance.

Literature cited by the submitters: PubMed 25589632; PubMed 23975875.